The following is an entry in ClinVar:

NM_006885.4(ZFHX3):c.9567G>A (p.Ala3189=)

Genes: ZFHX3 (zinc finger homeobox 3; minus strand), ZFHX3-AS1 (ZFHX3 antisense RNA 1; plus strand). Cytogenetic location: 16q22.2.
Variant type: single nucleotide variant.
Coding change: c.9567G>A on transcript NM_006885.4 (MANE Select); coding-DNA position 9567, G replaced by A.
Protein change: p.Ala3189=; no amino-acid change (alanine 3189 retained).
Molecular consequence: synonymous variant.
Genome position (GRCh38, 1-based): chr16:72,788,709, C>T on the plus strand (G>A on the coding strand, the complement: ZFHX3 is on the minus strand). VCF-style: chr16-72788709-C-T. GRCh37 (hg19) VCF-style: chr16-72822608-C-T.
Other names: c.6825G>A, p.Ala2275= (NM_001164766.2); c.9567G>A, p.Ala3189= (NM_001386735.1).
Identifiers: ClinVar variation 5039111 (VCV005039111.1).
Genomic context (GRCh38, chr16:72,788,709, plus strand): 5'-CTGCTGCACCTGTGGTTGCTGCTGCTGCTGCTGCTGCTGGGGGGGTTGCTGAGGGCCCAT[C>T]GCCATCGTGGCTTGTGCTGGGGTTGGGGAGCTCAGCGACGCTGAGGACGGTTTATTTGGT-3'
Protein context (NP_008816.3, residues 3179-3199): SSPTPAQATM[Ala3189=]MGPQQPPQQQ

ClinVar aggregate classification (germline): Likely benign (1 of 4 stars; one submission).

gnomAD v4.1: 344 of 1,610,940 alleles (0.021%); highest among the groups gnomAD compares: African/African-American, 0.41%; no homozygotes.

Submission:

CeGaT Center for Human Genetics Tuebingen
Classification: Likely benign. Last evaluated: 2026-07-01. Review status: criteria provided, single submitter. Criteria: CeGaT Center For Human Genetics Tuebingen Variant Classification Criteria Version 2. Collection method: clinical testing. Allele origin: germline. Affected: yes. Observed: 1 variant allele.
Comment: ZFHX3: BP4, BP7